The following is an entry in ClinVar:

ClinVar aggregate classification (germline): Uncertain significance (0 of 4 stars; one submission).

Conditions:
KDM3B-related disorder. Also called: KDM3B-related condition.

gnomAD v4.1: 4 of 1,612,246 alleles (0.00025%); highest among the groups gnomAD compares: South Asian, 0.0011%; no homozygotes.

Submission:

PreventionGenetics, part of Exact Sciences
Classification: Uncertain significance for KDM3B-related condition. Last evaluated: 2024-06-27. Review status: no assertion criteria provided. Collection method: clinical testing. Allele origin: germline.
Comment: The KDM3B c.5143C>T variant is predicted to result in the amino acid substitution p.Arg1715Cys. To our knowledge, this variant has not been reported in the literature or in a large population database, indicating this variant is rare. At this time, the clinical significance of this variant is uncertain due to the absence of conclusive functional and genetic evidence.

NM_016604.4(KDM3B):c.5143C>T (p.Arg1715Cys)

Gene: KDM3B (lysine demethylase 3B; plus strand). Cytogenetic location: 5q31.2.
Variant type: single nucleotide variant.
Coding change: c.5143C>T on transcript NM_016604.4 (MANE Select); coding-DNA position 5143, C replaced by T.
Protein change: p.Arg1715Cys; replaces arginine 1715 with cysteine.
Molecular consequence: missense variant.
Genome position (GRCh38, 1-based): chr5:138,431,497, C>T. VCF-style: chr5-138431497-C-T. GRCh37 (hg19) VCF-style: chr5-137767186-C-T.
Other names: short protein forms R1715C.
Identifiers: ClinVar variation 3347951 (VCV003347951.1).
Genomic context (GRCh38, chr5:138,431,497, plus strand): 5'-TACAGTTGCATAAAAGTAGCAGAAGACTTTGTATCTCCAGAACATGTAAAGCACTGTTTC[C>T]GCCTGACTCAGGAATTCAGGCATCTCTCTAACACTCATACAAATCATGAGGATAAACTGC-3'
Protein context (NP_057688.3, residues 1705-1725): VSPEHVKHCF[Arg1715Cys]LTQEFRHLSN